The following is an entry in ClinVar:

ClinVar aggregate classification (germline): Uncertain significance. Review status: criteria provided, multiple submitters, no conflicts (2 of 4 stars). 2 submissions from 2 submitters: Uncertain significance (2). Last evaluated 2025-10-18.

Conditions:
Regional enteritis. Also called: Enteritis, Granulomatous. Identifiers: MedGen C0678202, MeSH D003424.
Blau syndrome (BLAUS). Also called: GRANULOMATOSIS, FAMILIAL JUVENILE SYSTEMIC; GRANULOMATOSIS, FAMILIAL, BLAU TYPE; GRANULOMATOUS INFLAMMATORY ARTHRITIS, DERMATITIS, AND UVEITIS, FAMILIAL; JABS SYNDROME; ARTHROCUTANEOUVEAL GRANULOMATOSIS. Identifiers: Orphanet 90340, MedGen C5201146, MONDO:0008523, OMIM 186580.
Inborn genetic diseases. Identifiers: MedGen C0950123, MeSH D030342.

gnomAD v4.1: 11 of 1,612,632 alleles (0.00068%); highest among the groups gnomAD compares: Non-Finnish European, 0.00093%; no homozygotes.

Submissions (2):

Ambry Genetics
Classification: Uncertain significance for Inborn genetic diseases. Last evaluated: 2025-10-18. Review status: criteria provided, single submitter. Criteria: Ambry Variant Classification Scheme 2023. Collection method: clinical testing. Allele origin: germline.

Labcorp Genetics (formerly Invitae), Labcorp
Classification: Uncertain significance for Regional enteritis; Blau syndrome. Last evaluated: 2024-02-02. Review status: criteria provided, single submitter. Criteria: Invitae Variant Classification Sherloc (09022015). Collection method: clinical testing. Allele origin: germline.
Comment: This sequence change replaces glycine, which is neutral and non-polar, with aspartic acid, which is acidic and polar, at codon 160 of the NOD2 protein (p.Gly160Asp). This variant is present in population databases (rs751647609, gnomAD 0.002%). This variant has not been reported in the literature in individuals affected with NOD2-related conditions. Advanced modeling of protein sequence and biophysical properties (such as structural, functional, and spatial information, amino acid conservation, physicochemical variation, residue mobility, and thermodynamic stability) performed at Invitae indicates that this missense variant is not expected to disrupt NOD2 protein function with a negative predictive value of 95%. In summary, the available evidence is currently insufficient to determine the role of this variant in disease. Therefore, it has been classified as a Variant of Uncertain Significance.

NM_001370466.1(NOD2):c.398G>A (p.Gly133Asp)

Gene: NOD2 (nucleotide binding oligomerization domain containing 2; plus strand). Cytogenetic location: 16q12.1.
Variant type: single nucleotide variant.
Coding change: c.398G>A on transcript NM_001370466.1 (MANE Select); coding-DNA position 398, G replaced by A.
Protein change: p.Gly133Asp; replaces glycine 133 with aspartic acid.
Molecular consequence: missense variant. On other transcripts: non-coding transcript variant (1).
Genome position (GRCh38, 1-based): chr16:50,699,893, G>A. VCF-style: chr16-50699893-G-A. GRCh37 (hg19) VCF-style: chr16-50733804-G-A.
Other names: c.398G>A, p.Gly133Asp (NM_001293557.2); c.479G>A, p.Gly160Asp (NM_022162.3); short protein forms G133D, G160D.
Identifiers: ClinVar variation 3750122 (VCV003750122.3).
Genomic context (GRCh38, chr16:50,699,893, plus strand): 5'-CCATTGTCAGGAGGCTCCACAGCCATGTGGAGAACATGCTGGACCTGGCATGGGAGCGGG[G>A]TTTCGTCAGCCAGTATGAATGTGATGAAATCAGGTTGCCGATCTTCACACCGTCCCAGAG-3'
Protein context (NP_001357395.1, residues 123-143): ENMLDLAWER[Gly133Asp]FVSQYECDEI